The following is an entry in ClinVar:

ClinVar aggregate classification (germline): Uncertain significance (1 of 4 stars; one submission).

Submission:

Women's Health and Genetics/Laboratory Corporation of America, LabCorp
Classification: Uncertain significance. Last evaluated: 2025-09-12. Review status: criteria provided, single submitter. Criteria: LabCorp Variant Classification Summary - May 2015. Collection method: clinical testing. Allele origin: germline.
Comment: Variant summary: PPP2R5D c.-13C>T is located in the untranslated mRNA region upstream of the initiation codon. The variant was absent in 226582 control chromosomes. The available data on variant occurrences in the general population are insufficient to allow any conclusion about variant significance. To our knowledge, no occurrence of c.-13C>T in individuals affected with PPP2R5D-related conditions and no experimental evidence demonstrating its impact on protein function have been reported. No submitters have cited clinical-significance assessments for this variant to ClinVar. Based on the evidence outlined above, the variant was classified as uncertain significance.

NM_006245.4(PPP2R5D):c.-13C>T

Genes: PPP2R5D (protein phosphatase 2 regulatory subunit B'delta; plus strand), LOC129996483 (ATAC-STARR-seq lymphoblastoid silent region 17211; plus strand). Cytogenetic location: 6p21.1.
Variant type: single nucleotide variant.
Coding change: c.-13C>T on transcript NM_006245.4 (MANE Select); 13 bases upstream of the start codon, C replaced by T.
Molecular consequence: 5 prime UTR variant.
Genome position (GRCh38, 1-based): chr6:42,984,665, C>T. VCF-style: chr6-42984665-C-T. GRCh37 (hg19) VCF-style: chr6-42952403-C-T.
Other names: c.-483C>T (NM_001270476.2); c.-13C>T (NM_180976.3, NM_180977.3).
Identifiers: ClinVar variation 4535560 (VCV004535560.1).